The following is an entry in ClinVar:

ClinVar aggregate classification (germline): Benign/Likely benign. Review status: criteria provided, multiple submitters, no conflicts (2 of 4 stars). 4 submissions from 4 submitters: Benign (1); Likely benign (3). Last evaluated 2025-09-15.

Conditions:
Hereditary cancer-predisposing syndrome. Also called: Neoplastic Syndromes, Hereditary; Hereditary Cancer Syndrome; Tumor predisposition; Hereditary neoplastic syndrome. Identifiers: Orphanet 140162, MedGen C0027672, MeSH D009386, MONDO:0015356.
Breast-ovarian cancer, familial, susceptibility to, 3. Also called: RAD51C-Related Breast/Ovarian Cancer. Identifiers: Orphanet 145, MedGen C3150659, MONDO:0013253, OMIM 613399.
Fanconi anemia complementation group O. Also called: RAD51C-Related Fanconi Anemia. Identifiers: Orphanet 84, MedGen C3150653, MONDO:0013248, OMIM 613390.

Submissions (4):

Labcorp Genetics (formerly Invitae), Labcorp
Classification: Likely benign for Fanconi anemia complementation group O. Last evaluated: 2025-09-15. Review status: criteria provided, single submitter. Criteria: Invitae Variant Classification Sherloc (09022015). Collection method: clinical testing. Allele origin: germline.

Myriad Genetics, Inc.
Classification: Benign for Breast-ovarian cancer, familial, susceptibility to, 3. Last evaluated: 2025-02-14. Review status: criteria provided, single submitter. Criteria: Myriad Autosomal Dominant, Autosomal Recessive and X-Linked Classification Criteria (2023). Collection method: clinical testing. Allele origin: unknown.
Comment: This variant is considered benign. This variant is a silent/synonymous amino acid change and it is not expected to impact splicing.

Color Diagnostics, LLC DBA Color Health
Classification: Likely benign for Hereditary cancer-predisposing syndrome. Last evaluated: 2024-06-12. Review status: criteria provided, single submitter. Criteria: ACMG Guidelines, 2015. Collection method: clinical testing. Allele origin: germline.

Ambry Genetics
Classification: Likely benign for Hereditary cancer-predisposing syndrome. Last evaluated: 2021-09-11. Review status: criteria provided, single submitter. Criteria: Ambry Variant Classification Scheme 2023. Collection method: clinical testing. Allele origin: germline.

NM_058216.3(RAD51C):c.201A>G (p.Glu67=)

Gene: RAD51C (RAD51 paralog C; plus strand). Cytogenetic location: 17q22.
Variant type: single nucleotide variant.
Coding change: c.201A>G on transcript NM_058216.3 (MANE Select); coding-DNA position 201, A replaced by G.
Protein change: p.Glu67=; no amino-acid change (glutamic acid 67 retained).
Molecular consequence: synonymous variant. On other transcripts: non-coding transcript variant (2).
Genome position (GRCh38, 1-based): chr17:58,694,986, A>G. VCF-style: chr17-58694986-A-G. GRCh37 (hg19) VCF-style: chr17-56772347-A-G.
Other names: c.201A>G, p.Glu67= (NM_002876.4).
Identifiers: ClinVar variation 797802 (VCV000797802.15), dbSNP rs1598455493, ClinGen allele CA501074517.